The following is an entry in ClinVar:

ClinVar aggregate classification (germline): Conflicting classifications of pathogenicity. Review status: criteria provided, conflicting classifications (1 of 4 stars). 2 submissions from 2 submitters: Uncertain significance (1); Likely benign (1). Last evaluated 2025-12-19.

Conditions:
BICC1-related disorder. Also called: BICC1-related condition.
Renal dysplasia, cystic, susceptibility to. Identifiers: MedGen C3275898, MONDO:0011037, OMIM 601331.

gnomAD v4.1: 170 of 1,613,816 alleles (0.011%); highest among the groups gnomAD compares: South Asian, 0.17%; 2 homozygotes.

Submissions (2):

PreventionGenetics, part of Exact Sciences
Classification: Likely benign for BICC1-related condition. Last evaluated: 2025-12-19. Review status: criteria provided, single submitter. Criteria: ACMG Guidelines, 2015. Collection method: clinical testing. Allele origin: germline.
Comment: This variant is classified as likely benign based on ACMG/AMP sequence variant interpretation guidelines (Richards et al. 2015 PMID: 25741868, with internal and published modifications).

Department of Pathology and Laboratory Medicine, Sinai Health System
Classification: Uncertain significance for renal dysplasia, cystic, susceptibility to. Last evaluated: 2022-06-13. Review status: criteria provided, single submitter. Criteria: ACMG Guidelines, 2015. Collection method: research. Allele origin: germline.

NM_001080512.3(BICC1):c.1045A>G (p.Met349Val)

Gene: BICC1 (BicC family RNA binding protein 1; plus strand). Cytogenetic location: 10q21.1.
Variant type: single nucleotide variant.
Coding change: c.1045A>G on transcript NM_001080512.3 (MANE Select); coding-DNA position 1045, A replaced by G.
Protein change: p.Met349Val; replaces methionine 349 with valine.
Molecular consequence: missense variant.
Genome position (GRCh38, 1-based): chr10:58,789,931, A>G. VCF-style: chr10-58789931-A-G. GRCh37 (hg19) VCF-style: chr10-60549691-A-G.
Other names: c.1045A>G (NM_001080512.2); short protein forms M349V.
Identifiers: ClinVar variation 3778890 (VCV003778890.2).
Genomic context (GRCh38, chr10:58,789,931, plus strand): 5'-AAATCTACCGTCTACCTCCAGGGCACCATTGAGTCTGTCTGTCTTGCAAGGCAATATCTC[A>G]TGGTAAGGTTACTGAAATAAGTGTTACAATTTTTTTAAACCTCTTTGGATTCAGTGCATG-3'
Protein context (NP_001073981.1, residues 339-359): ESVCLARQYL[Met349Val]GCLPLVLMFD